The following is an entry in ClinVar:

ClinVar aggregate classification (germline): Pathogenic (1 of 4 stars; one submission).

Allele frequency attached by ClinVar (database versions not stated): TOPMed 0.00001; gnomAD 0.00002.
gnomAD v4.1: 8 of 1,612,778 alleles (0.0005%); highest among the groups gnomAD compares: African/African-American, 0.0013%; no homozygotes.

Submission:

Labcorp Genetics (formerly Invitae), Labcorp
Classification: Pathogenic. Last evaluated: 2023-04-09. Review status: criteria provided, single submitter. Criteria: Invitae Variant Classification Sherloc (09022015). Collection method: clinical testing. Allele origin: germline.
Comment: For these reasons, this variant has been classified as Pathogenic. Variants that disrupt the consensus splice site are a relatively common cause of aberrant splicing (PMID: 17576681, 9536098). Studies have shown that disruption of this splice site results in skipping of exon 5 and introduces a new termination codon (PMID: 11470272). However the mRNA is not expected to undergo nonsense-mediated decay. Disruption of this splice site has been observed in individual(s) with sialidosis (PMID: 11470272). This variant is present in population databases (no rsID available, gnomAD 0.01%). This sequence change affects a donor splice site in intron 5 of the NEU1 gene. RNA analysis indicates that disruption of this splice site induces altered splicing and likely disrupts the C-terminus of the protein.

Literature cited by the submitters: PubMed 17576681; PubMed 9536098; PubMed 11470272.

NM_000434.4(NEU1):c.1021+1G>A

Gene: NEU1 (neuraminidase 1; minus strand). Cytogenetic location: 6p21.33.
Variant type: single nucleotide variant.
Coding change: c.1021+1G>A on transcript NM_000434.4 (MANE Select); the canonical splice donor site of the intron after coding-DNA position 1021, G replaced by A.
Molecular consequence: splice donor variant.
Genome position (GRCh38, 1-based): chr6:31,860,041, C>T on the plus strand (G>A on the coding strand, the complement: NEU1 is on the minus strand). VCF-style: chr6-31860041-C-T. GRCh37 (hg19) VCF-style: chr6-31827818-C-T.
Identifiers: ClinVar variation 2994026 (VCV002994026.3), dbSNP rs1486980139, ClinGen allele CA363486543.